The following is an entry in ClinVar:

ClinVar aggregate classification (germline): Uncertain significance (1 of 4 stars; one submission).

Submission:

GeneDx
Classification: Uncertain significance. Last evaluated: 2024-12-31. Review status: criteria provided, single submitter. Criteria: GeneDx Variant Classification Process June 2021. Collection method: clinical testing. Allele origin: germline. Affected: yes.
Comment: Not observed at significant frequency in large population cohorts (gnomAD); In silico analysis indicates that this missense variant does not alter protein structure/function; Has not been previously published as pathogenic or benign to our knowledge

NM_015021.3(ZNF292):c.3679T>G (p.Leu1227Val)

Gene: ZNF292 (zinc finger protein 292; plus strand). Cytogenetic location: 6q14.3.
Variant type: single nucleotide variant.
Coding change: c.3679T>G on transcript NM_015021.3 (MANE Select); coding-DNA position 3679, T replaced by G.
Protein change: p.Leu1227Val; replaces leucine 1227 with valine.
Molecular consequence: missense variant.
Genome position (GRCh38, 1-based): chr6:87,257,308, T>G. VCF-style: chr6-87257308-T-G. GRCh37 (hg19) VCF-style: chr6-87967026-T-G.
Other names: c.3259T>G, p.Leu1087Val (NM_001351444.2); short protein forms L1087V, L1227V.
Identifiers: ClinVar variation 4055928 (VCV004055928.1).